The following is an entry in ClinVar:

NM_007186.6(CEP250):c.3144G>A (p.Lys1048=)

Gene: CEP250 (centrosomal protein 250; plus strand). Cytogenetic location: 20q11.22.
Variant type: single nucleotide variant.
Coding change: c.3144G>A on transcript NM_007186.6 (MANE Select); coding-DNA position 3144, G replaced by A.
Protein change: p.Lys1048=; no amino-acid change (lysine 1048 retained).
Molecular consequence: synonymous variant.
Genome position (GRCh38, 1-based): chr20:35,494,634, G>A. VCF-style: chr20-35494634-G-A. GRCh37 (hg19) VCF-style: chr20-34082461-G-A.
Other names: c.1248G>A, p.Lys416= (NM_001318219.1); c.3144G>A (NM_007186.5).
Identifiers: ClinVar variation 1101859 (VCV001101859.10), dbSNP rs372995024, ClinGen allele CA9833390.

ClinVar aggregate classification (germline): Likely benign. Review status: criteria provided, multiple submitters, no conflicts (2 of 4 stars). 2 submissions from 2 submitters: Likely benign (2). Last evaluated 2026-06-04.

Conditions:
CEP250-related disorder. Also called: CEP250-related condition.

Allele frequency attached by ClinVar (database versions not stated): gnomAD exomes below 0.00001; ExAC 0.00001; gnomAD 0.00001; TOPMed 0.00002; ESP Exome Variant Server 0.00008.
gnomAD v4.1: 5 of 1,614,000 alleles (0.00031%); highest among the groups gnomAD compares: Non-Finnish European, 0.00034%; no homozygotes.

Submissions (2):

PreventionGenetics, part of Exact Sciences
Classification: Likely benign for CEP250-related condition. Last evaluated: 2026-06-04. Review status: criteria provided, single submitter. Criteria: ACMG Guidelines, 2015. Collection method: clinical testing. Allele origin: germline.
Comment: This variant is classified as likely benign based on ACMG/AMP sequence variant interpretation guidelines (Richards et al. 2015 PMID: 25741868, with internal and published modifications).

Labcorp Genetics (formerly Invitae), Labcorp
Classification: Likely benign. Last evaluated: 2024-06-02. Review status: criteria provided, single submitter. Criteria: Invitae Variant Classification Sherloc (09022015). Collection method: clinical testing. Allele origin: germline.